The following is an entry in ClinVar:

NM_022489.4(INF2):c.839A>G (p.His280Arg)

Gene: INF2 (inverted formin 2; plus strand). Cytogenetic location: 14q32.33.
Variant type: single nucleotide variant.
Coding change: c.839A>G on transcript NM_022489.4 (MANE Select); coding-DNA position 839, A replaced by G.
Protein change: p.His280Arg; replaces histidine 280 with arginine.
Molecular consequence: missense variant.
Genome position (GRCh38, 1-based): chr14:104,706,172, A>G. VCF-style: chr14-104706172-A-G. GRCh37 (hg19) VCF-style: chr14-105172509-A-G.
Other names: c.839A>G, p.His280Arg (NM_001031714.4); short protein forms H280R.
Identifiers: ClinVar variation 1464994 (VCV001464994.11), dbSNP rs759115381, ClinGen allele CA7372431.

ClinVar aggregate classification (germline): Conflicting classifications of pathogenicity. Review status: criteria provided, conflicting classifications (1 of 4 stars). 3 submissions from 3 submitters: Uncertain significance (2); Benign (1). Last evaluated 2023-06-23.

Conditions:
Inborn genetic diseases. Identifiers: MedGen C0950123, MeSH D030342.
Charcot-Marie-Tooth disease dominant intermediate E. Also called: CHARCOT-MARIE-TOOTH NEUROPATHY WITH FOCAL SEGMENTAL GLOMERULONEPHRITIS. Identifiers: Orphanet 93114, MedGen C4302667, MONDO:0013758, OMIM 614455.
Focal segmental glomerulosclerosis 5 (FSGS5). Identifiers: Orphanet 656, MedGen C2750475, MONDO:0013191, OMIM 613237.

Allele frequency attached by ClinVar (database versions not stated): gnomAD 0.00001; gnomAD exomes 0.00001; TOPMed 0.00002; ExAC 0.00005.
gnomAD v4.1: 12 of 1,577,772 alleles (0.00076%); highest among the groups gnomAD compares: African/African-American, 0.0013%; no homozygotes.

Submissions (3):

Labcorp Genetics (formerly Invitae), Labcorp
Classification: Benign for Charcot-Marie-Tooth disease dominant intermediate E; Focal segmental glomerulosclerosis 5. Last evaluated: 2023-06-23. Review status: criteria provided, single submitter. Criteria: Invitae Variant Classification Sherloc (09022015). Collection method: clinical testing. Allele origin: germline.

Fulgent Genetics
Classification: Uncertain significance for Focal segmental glomerulosclerosis 5; Charcot-Marie-Tooth disease dominant intermediate E. Last evaluated: 2022-01-25. Review status: criteria provided, single submitter. Criteria: ACMG Guidelines, 2015. Collection method: clinical testing. Allele origin: unknown.

Ambry Genetics
Classification: Uncertain significance for Inborn genetic diseases. Last evaluated: 2020-02-26. Review status: criteria provided, single submitter. Criteria: Ambry Variant Classification Scheme 2023. Collection method: clinical testing. Allele origin: germline.
Comment: The p.H280R variant (also known as c.839A>G), located in coding exon 5 of the INF2 gene, results from an A to G substitution at nucleotide position 839. The histidine at codon 280 is replaced by arginine, an amino acid with highly similar properties. This amino acid position is not well conserved in available vertebrate species. In addition, this alteration is predicted to be tolerated by in silico analysis. Since supporting evidence is limited at this time, the clinical significance of this alteration remains unclear.